The following is an entry in ClinVar:

ClinVar aggregate classification (germline): Benign/Likely benign. Review status: criteria provided, multiple submitters, no conflicts (2 of 4 stars). 9 submissions from 9 submitters: Benign (6); Likely benign (1). 2 of the submissions do not count toward it. Last evaluated 2026-02-03.

Conditions:
Inborn genetic diseases. Identifiers: MedGen C0950123, MeSH D030342.
Intellectual developmental disorder, autosomal dominant 6, with or without seizures. Also called: Intellectual disability, autosomal dominant 6; GRIN2B-related developmental delay, intellectual disability and autism spectrum disorder. Identifiers: Orphanet 589547, MedGen C3151411, MONDO:0013509, OMIM 613970.
Developmental and epileptic encephalopathy, 27 (DEE27). Also called: Epileptic encephalopathy, early infantile, 27; GRIN2B-Related Neurodevelopmental Disorder. Identifiers: Orphanet 3451, MedGen C4015316, MONDO:0014505, OMIM 616139.

Allele frequency attached by ClinVar (database versions not stated): gnomAD 0.01050 and 0.01112; ESP Exome Variant Server 0.01115; TOPMed 0.01165; gnomAD exomes 0.00096 and 0.00262; ExAC 0.00338; 1000 Genomes Project 0.01558; 1000 Genomes Project 30x 0.01577.
gnomAD v4.1: 3,047 of 1,614,170 alleles (0.19%); highest among the groups gnomAD compares: African/African-American, 3.5%; 51 homozygotes.

Submissions (9):

Labcorp Genetics (formerly Invitae), Labcorp
Classification: Benign for Developmental and epileptic encephalopathy, 27; Intellectual developmental disorder, autosomal dominant 6, with or without seizures. Last evaluated: 2026-02-03. Review status: criteria provided, single submitter. Criteria: Invitae Variant Classification Sherloc (09022015). Collection method: clinical testing. Allele origin: germline.

Fulgent Genetics
Classification: Likely benign for Intellectual developmental disorder, autosomal dominant 6, with or without seizures; Developmental and epileptic encephalopathy, 27. Last evaluated: 2021-09-27. Review status: criteria provided, single submitter. Criteria: ACMG Guidelines, 2015. Collection method: clinical testing. Allele origin: unknown.

Mayo Clinic Laboratories, Mayo Clinic
Classification: Benign. Last evaluated: 2020-11-25. Review status: criteria provided, single submitter. Criteria: ACMG Guidelines, 2015. Collection method: clinical testing. Allele origin: germline. Observed: 4 variant alleles.

Athena Diagnostics
Classification: Benign. Last evaluated: 2017-10-25. Review status: criteria provided, single submitter. Criteria: Athena Diagnostics Criteria. Collection method: clinical testing. Allele origin: germline.

Ambry Genetics
Classification: Benign for Inborn genetic diseases. Last evaluated: 2016-08-05. Review status: criteria provided, single submitter. Criteria: Ambry Variant Classification Scheme 2023. Collection method: clinical testing. Allele origin: germline.

GeneDx
Classification: Benign. Last evaluated: 2014-03-06. Review status: criteria provided, single submitter. Criteria: GeneDx Variant Classification (06012015). Collection method: clinical testing. Allele origin: germline. Affected: yes.
Comment: This variant is considered likely benign or benign based on one or more of the following criteria: it is a conservative change, it occurs at a poorly conserved position in the protein, it is predicted to be benign by multiple in silico algorithms, and/or has population frequency not consistent with disease.

Breakthrough Genomics
Classification: Benign. Review status: criteria provided, single submitter. Criteria: ACMG Guidelines, 2015. Collection method: not provided. Allele origin: germline. Inheritance: Autosomal dominant inheritance. Affected: yes.

Genetic Services Laboratory, University of Chicago
Classification: Likely benign for AllHighlyPenetrant. Review status: no assertion criteria provided. Collection method: clinical testing. Allele origin: germline. Inheritance: Autosomal dominant inheritance. Not counted in ClinVar's aggregate classification.
Comment: Likely benign based on allele frequency in 1000 Genomes Project or ESP global frequency and its presence in a patient with a rare or unrelated disease phenotype. NOT Sanger confirmed.

Psychiatry Genetics Yale University
No classification provided. Review status: no classification provided. Collection method: not provided. Allele origin: not provided. Not counted in ClinVar's aggregate classification.

NM_000834.5(GRIN2B):c.2691C>T (p.Asn897=)

Gene: GRIN2B (glutamate ionotropic receptor NMDA type subunit 2B; minus strand). Cytogenetic location: 12p13.1.
Variant type: single nucleotide variant.
Coding change: c.2691C>T on transcript NM_000834.5 (MANE Select); coding-DNA position 2691, C replaced by T.
Protein change: p.Asn897=; no amino-acid change (asparagine 897 retained).
Molecular consequence: synonymous variant.
Genome position (GRCh38, 1-based): chr12:13,564,547, G>A on the plus strand (C>T on the coding strand, the complement: GRIN2B is on the minus strand). VCF-style: chr12-13564547-G-A. GRCh37 (hg19) VCF-style: chr12-13717481-G-A.
Other names: p.N897N:AAC>AAT; p.Asn897=; c.2691C>T (NM_000834.4).
Identifiers: ClinVar variation 98436 (VCV000098436.25), dbSNP rs35125534, ClinGen allele CA225825.